The following is an entry in ClinVar:

ClinVar aggregate classification (germline): Uncertain significance (1 of 4 stars; one submission).

Submission:

Illumina Laboratory Services, Illumina
Classification: Uncertain significance. Last evaluated: 2023-03-09. Review status: criteria provided, single submitter. Criteria: ICSL CNVClassificationCriteria Aug2020. Collection method: clinical testing. Allele origin: unknown.
Comment: This CNV is a 1.8 Mb duplication of 8p21.3, on chromosome 8, (seq[GRCh37]dup(8)(p21.3), chr8:g.20868762_22701502dup), which is found in a de novo state. This CNV constitutes a gain encompassing 26 protein coding genes, including full duplication of the BMP1 gene. Variants in the BMP1 gene are known to cause an autosomal recessive form of osteogenesis imperfecta (PMID: 33085247). However, there is no literature evidence to support triplosensitivity as a mechanism of disease for this gene. Patients with similar duplications in this region have not been reported in the peer-reviewed literature. A few similar sized de novo CNVs of uncertain significance or unconfirmed parentage with non-specific phenotypes have been reported in the DECIPHER database (PMID: 19344873). This CNV has not been reported in controls. Based on the available evidence, this CNV is classified as a variant of uncertain significance.

Single allele

Genes: BIN3 (bridging integrator 3; minus strand), BMP1 (bone morphogenetic protein 1; plus strand), C8orf58 (chromosome 8 open reading frame 58; plus strand), CCAR2 (cell cycle and apoptosis regulator 2; plus strand), DMTN (dematin actin binding protein; plus strand) and 21 more. Cytogenetic location: 8p21.3.
Variant type: Duplication.
Identifiers: ClinVar variation 2671605 (VCV002671605.1).